The following is an entry in ClinVar:

NM_014252.4(SLC25A15):c.55+5A>T

Gene: SLC25A15 (solute carrier family 25 member 15; plus strand). Cytogenetic location: 13q14.11.
Variant type: single nucleotide variant.
Coding change: c.55+5A>T on transcript NM_014252.4 (MANE Select); 5 bases into the intron after coding-DNA position 55, A replaced by T.
Molecular consequence: intron variant.
Genome position (GRCh38, 1-based): chr13:40,793,286, A>T. VCF-style: chr13-40793286-A-T. GRCh37 (hg19) VCF-style: chr13-41367422-A-T.
Identifiers: ClinVar variation 2230834 (VCV002230834.2), dbSNP rs2546915889, ClinGen allele CA2580087517.

ClinVar aggregate classification (germline): Uncertain significance (1 of 4 stars; one submission).

Conditions:
Inborn genetic diseases. Identifiers: MedGen C0950123, MeSH D030342.

Submission:

Ambry Genetics
Classification: Uncertain significance for Inborn genetic diseases. Last evaluated: 2021-06-05. Review status: criteria provided, single submitter. Criteria: Ambry Variant Classification Scheme 2023. Collection method: clinical testing. Allele origin: germline.
Comment: The c.55+5A>T intronic alteration consists of a A to T substitution nucleotides after coding exon 1 in the SLC25A15 gene. Based on insufficient or conflicting evidence, the clinical significance of this alteration remains unclear.